The following is an entry in ClinVar:

ClinVar aggregate classification (germline): Uncertain significance (1 of 4 stars; one submission).

Conditions:
Brain small vessel disease 1 with or without ocular anomalies (BSVD1). Also called: Brain small vessel disease with or without ocular anomalies; BRAIN SMALL VESSEL DISEASE WITH HEMORRHAGE; GOULD SYNDROME 1; PORENCEPHALY, TYPE 1, AUTOSOMAL DOMINANT. Identifiers: Orphanet 2940, Orphanet 36383, Orphanet 99810, MedGen C4755307, MONDO:0008289, OMIM 175780.

Submission:

MGZ Medical Genetics Center
Classification: Uncertain significance for Brain small vessel disease 1 with or without ocular anomalies. Last evaluated: 2022-08-17. Review status: criteria provided, single submitter. Criteria: ACMG Guidelines, 2015. Collection method: clinical testing. Allele origin: germline. Affected: yes. Observed: 1 variant allele.
Comment: ACMG criteria applied: PM2_SUP, PP2, PP3

NM_001845.6(COL4A1):c.4433G>A (p.Gly1478Asp)

Gene: COL4A1 (collagen type IV alpha 1 chain; minus strand). Cytogenetic location: 13q34.
Variant type: single nucleotide variant.
Coding change: c.4433G>A on transcript NM_001845.6 (MANE Select); coding-DNA position 4433, G replaced by A.
Protein change: p.Gly1478Asp; replaces glycine 1478 with aspartic acid.
Molecular consequence: missense variant.
Genome position (GRCh38, 1-based): chr13:110,162,259, C>T on the plus strand (G>A on the coding strand, the complement: COL4A1 is on the minus strand). VCF-style: chr13-110162259-C-T. GRCh37 (hg19) VCF-style: chr13-110814606-C-T.
Other names: short protein forms G1478D.
Identifiers: ClinVar variation 1709775 (VCV001709775.2), dbSNP rs2501738179, ClinGen allele CA388657862.